The following is an entry in ClinVar:

ClinVar aggregate classification (germline): Uncertain significance. Review status: criteria provided, multiple submitters, no conflicts (2 of 4 stars). 2 submissions from 2 submitters: Uncertain significance (2). Last evaluated 2025-12-23.

Allele frequency attached by ClinVar (database versions not stated): gnomAD exomes 0.00001; ExAC 0.00003; TOPMed 0.00003.
gnomAD v4.1: 7 of 1,613,568 alleles (0.00043%); highest among the groups gnomAD compares: East Asian, 0.016%; no homozygotes.

Submissions (2):

Labcorp Genetics (formerly Invitae), Labcorp
Classification: Uncertain significance. Last evaluated: 2025-12-23. Review status: criteria provided, single submitter. Criteria: Invitae Variant Classification Sherloc (09022015). Collection method: clinical testing. Allele origin: germline.
Comment: This sequence change replaces glycine, which is neutral and non-polar, with serine, which is neutral and polar, at codon 238 of the POLD2 protein (p.Gly238Ser). This variant is present in population databases (rs750374415, gnomAD 0.08%), and has an allele count higher than expected for a pathogenic variant. This variant has not been reported in the literature in individuals affected with POLD2-related conditions. ClinVar contains an entry for this variant (Variation ID: 3216309). Experimental studies and prediction algorithms are not available or were not evaluated, and the functional significance of this variant is currently unknown. In summary, the available evidence is currently insufficient to determine the role of this variant in disease. Therefore, it has been classified as a Variant of Uncertain Significance.

Ambry Genetics
Classification: Uncertain significance. Last evaluated: 2023-10-17. Review status: criteria provided, single submitter. Criteria: Ambry Variant Classification Scheme 2023. Collection method: clinical testing. Allele origin: germline.

NM_006230.4(POLD2):c.607G>A (p.Gly203Ser)

Gene: POLD2 (DNA polymerase delta 2, accessory subunit; minus strand). Cytogenetic location: 7p13.
Variant type: single nucleotide variant.
Coding change: c.607G>A on transcript NM_006230.4 (MANE Select); coding-DNA position 607, G replaced by A.
Protein change: p.Gly203Ser; replaces glycine 203 with serine.
Molecular consequence: missense variant.
Genome position (GRCh38, 1-based): chr7:44,116,990, C>T on the plus strand (G>A on the coding strand, the complement: POLD2 is on the minus strand). VCF-style: chr7-44116990-C-T. GRCh37 (hg19) VCF-style: chr7-44156589-C-T.
Other names: c.607G>A, p.Gly203Ser (NM_001127218.3, NM_001256879.2); short protein forms G203S.
Identifiers: ClinVar variation 3216309 (VCV003216309.2), dbSNP rs750374415, ClinGen allele CA4238781.